The following is an entry in ClinVar:

ClinVar aggregate classification (germline): Uncertain significance. Review status: criteria provided, multiple submitters, no conflicts (2 of 4 stars). 3 submissions from 3 submitters: Uncertain significance (3). Last evaluated 2025-09-22.

Conditions:
Thrombomodulin-related bleeding disorder (THPH12). Also called: Thrombophilia due to thrombomodulin defect. Identifiers: Orphanet 436169, MedGen C3280976, MONDO:0013775, OMIM 614486.

gnomAD v4.1: 4 of 1,584,656 alleles (0.00025%); highest among the groups gnomAD compares: South Asian, 0.0011%; no homozygotes.

Submissions (3):

Genomenon, Inc
Classification: Uncertain significance for Thrombomodulin-related bleeding disorder. Last evaluated: 2025-09-22. Review status: criteria provided, single submitter. Criteria: Genomenon Sequence Variant Interpretation Standards - Updated. Collection method: curation. Allele origin: germline. Affected: no.
Comment: THBD p.Ala271Thr (c.811G>A) is a missense variant that changes the amino acid at residue 271 from Alanine to Threonine. This variant has been reported in the published literature (PMID:38041748). It is absent or not present at a significant frequency in gnomAD. In silico models agree that this variant is not damaging. In conclusion, we classify THBD p.Ala271Thr (c.811G>A) as a variant of unknown significance.

Center for Genomic Medicine, Rigshospitalet, Copenhagen University Hospital
Classification: Uncertain significance. Last evaluated: 2025-03-04. Review status: criteria provided, single submitter. Criteria: ACMG Guidelines, 2015. Collection method: clinical testing. Allele origin: germline.

Labcorp Genetics (formerly Invitae), Labcorp
Classification: Uncertain significance. Last evaluated: 2024-04-29. Review status: criteria provided, single submitter. Criteria: Invitae Variant Classification Sherloc (09022015). Collection method: clinical testing. Allele origin: germline.
Comment: This sequence change replaces alanine, which is neutral and non-polar, with threonine, which is neutral and polar, at codon 271 of the THBD protein (p.Ala271Thr). This variant is not present in population databases (gnomAD no frequency). This variant has not been reported in the literature in individuals affected with THBD-related conditions. Advanced modeling of protein sequence and biophysical properties (such as structural, functional, and spatial information, amino acid conservation, physicochemical variation, residue mobility, and thermodynamic stability) performed at Invitae indicates that this missense variant is not expected to disrupt THBD protein function with a negative predictive value of 80%. In summary, the available evidence is currently insufficient to determine the role of this variant in disease. Therefore, it has been classified as a Variant of Uncertain Significance.

Literature cited by the submitters: PubMed 38041748 (cited by Genomenon, Inc); PubMed 34474479 (cited by Center for Genomic Medicine, Rigshospitalet, Copenhagen University Hospital); PubMed 34628704 (cited by Center for Genomic Medicine, Rigshospitalet, Copenhagen University Hospital).

NM_000361.3(THBD):c.811G>A (p.Ala271Thr)

Gene: THBD (thrombomodulin; minus strand). Cytogenetic location: 20p11.21.
Variant type: single nucleotide variant.
Coding change: c.811G>A on transcript NM_000361.3 (MANE Select); coding-DNA position 811, G replaced by A.
Protein change: p.Ala271Thr; replaces alanine 271 with threonine.
Molecular consequence: missense variant.
Genome position (GRCh38, 1-based): chr20:23,048,694, C>T on the plus strand (G>A on the coding strand, the complement: THBD is on the minus strand). VCF-style: chr20-23048694-C-T. GRCh37 (hg19) VCF-style: chr20-23029331-C-T.
Other names: short protein forms A271T.
Identifiers: ClinVar variation 3711554 (VCV003711554.4).